The following is an entry in ClinVar:

ClinVar aggregate classification (germline): Uncertain significance (1 of 4 stars; one submission).

Allele frequency attached by ClinVar (database versions not stated): gnomAD exomes below 0.00001; gnomAD 0.00001.
gnomAD v4.1: 3 of 1,614,048 alleles (0.00019%); highest among the groups gnomAD compares: African/African-American, 0.0027%; no homozygotes.

Submission:

GeneDx
Classification: Uncertain significance. Last evaluated: 2022-05-05. Review status: criteria provided, single submitter. Criteria: GeneDx Variant Classification Process June 2021. Collection method: clinical testing. Allele origin: germline. Affected: yes.
Comment: Not observed at significant frequency in large population cohorts (gnomAD); In silico analysis supports that this missense variant has a deleterious effect on protein structure/function; Has not been previously published as pathogenic or benign to our knowledge

NM_018082.6(POLR3B):c.764T>C (p.Ile255Thr)

Gene: POLR3B (RNA polymerase III subunit B; plus strand). Cytogenetic location: 12q23.3.
Variant type: single nucleotide variant.
Coding change: c.764T>C on transcript NM_018082.6 (MANE Select); coding-DNA position 764, T replaced by C.
Protein change: p.Ile255Thr; replaces isoleucine 255 with threonine.
Molecular consequence: missense variant.
Genome position (GRCh38, 1-based): chr12:106,393,071, T>C. VCF-style: chr12-106393071-T-C. GRCh37 (hg19) VCF-style: chr12-106786849-T-C.
Other names: c.590T>C, p.Ile197Thr (NM_001160708.2); short protein forms I197T, I255T.
Identifiers: ClinVar variation 1722891 (VCV001722891.2), dbSNP rs2036932372, ClinGen allele CA386385125.